The following is an entry in ClinVar:

NM_000303.3(PMM2):c.712C>G (p.Arg238Gly)

Gene: PMM2 (phosphomannomutase 2; plus strand). Cytogenetic location: 16p13.2.
Variant type: single nucleotide variant.
Coding change: c.712C>G on transcript NM_000303.3 (MANE Select); coding-DNA position 712, C replaced by G.
Protein change: p.Arg238Gly; replaces arginine 238 with glycine.
Molecular consequence: missense variant.
Genome position (GRCh38, 1-based): chr16:8,847,796, C>G. VCF-style: chr16-8847796-C-G. GRCh37 (hg19) VCF-style: chr16-8941653-C-G.
Other names: short protein forms R238G.
Identifiers: ClinVar variation 5004930 (VCV005004930.1).

ClinVar aggregate classification (germline): Likely pathogenic (1 of 4 stars; one submission).

Conditions:
PMM2-congenital disorder of glycosylation. Also called: CDG Ia; CARBOHYDRATE-DEFICIENT GLYCOPROTEIN SYNDROME, TYPE Ia; JAEKEN SYNDROME; PMM2-CDG; Congenital disorder of glycosylation, type Ia; PHOSPHOMANNOMUTASE 2 DEFICIENCY. Identifiers: Orphanet 79318, MedGen C0349653, MONDO:0008907, OMIM 212065.

gnomAD v4.1: 3 of 1,613,632 alleles (0.00019%); highest among the groups gnomAD compares: African/African-American, 0.0013%; no homozygotes.

Submission:

Myriad Genetics, Inc.
Classification: Likely pathogenic for PMM2-congenital disorder of glycosylation. Last evaluated: 2026-04-15. Review status: criteria provided, single submitter. Criteria: Myriad Autosomal Dominant, Autosomal Recessive and X-Linked Classification Criteria (2023). Collection method: clinical testing. Allele origin: unknown.
Comment: NM_000303.2(PMM2):c.712C>G(R238G) is a missense variant classified as likely pathogenic in the context of congenital disorder of glycosylation, PMM2-related. R238G has been observed in cases with relevant disease (PMID: 40555085, 11409861). Relevant functional assessments of this variant are not available in the literature. R238G has not been observed in referenced population frequency databases. In summary, NM_000303.2(PMM2):c.712C>G(R238G) is a missense variant that has been observed more frequently in cases with the relevant disease than in healthy populations. Please note: this variant was assessed in the context of healthy population screening.

Literature cited by the submitters: PubMed 11409861; PubMed 40555085.